The following is an entry in ClinVar:

NM_000297.4(PKD2):c.1190G>T (p.Arg397Ile)

Gene: PKD2 (polycystin 2, transient receptor potential cation channel; plus strand). Cytogenetic location: 4q22.1.
Variant type: single nucleotide variant.
Coding change: c.1190G>T on transcript NM_000297.4 (MANE Select); coding-DNA position 1190, G replaced by T.
Protein change: p.Arg397Ile; replaces arginine 397 with isoleucine.
Molecular consequence: missense variant. On other transcripts: non-coding transcript variant (1).
Genome position (GRCh38, 1-based): chr4:88,043,328, G>T. VCF-style: chr4-88043328-G-T. GRCh37 (hg19) VCF-style: chr4-88964480-G-T.
Other names: short protein forms R397I.
Identifiers: ClinVar variation 3649234 (VCV003649234.2).

ClinVar aggregate classification (germline): Uncertain significance (1 of 4 stars; one submission).

Conditions:
Autosomal dominant polycystic kidney disease. Identifiers: Orphanet 730, MedGen C0085413, MONDO:0004691.

Submission:

Labcorp Genetics (formerly Invitae), Labcorp
Classification: Uncertain significance for Autosomal dominant polycystic kidney disease. Last evaluated: 2024-04-08. Review status: criteria provided, single submitter. Criteria: Invitae Variant Classification Sherloc (09022015). Collection method: clinical testing. Allele origin: germline.
Comment: This sequence change replaces arginine, which is basic and polar, with isoleucine, which is neutral and non-polar, at codon 397 of the PKD2 protein (p.Arg397Ile). This variant is not present in population databases (gnomAD no frequency). This variant has not been reported in the literature in individuals affected with PKD2-related conditions. Advanced modeling of protein sequence and biophysical properties (such as structural, functional, and spatial information, amino acid conservation, physicochemical variation, residue mobility, and thermodynamic stability) performed at Invitae indicates that this missense variant is not expected to disrupt PKD2 protein function with a negative predictive value of 80%. In summary, the available evidence is currently insufficient to determine the role of this variant in disease. Therefore, it has been classified as a Variant of Uncertain Significance.